The following is an entry in ClinVar:

NM_000051.4(ATM):c.6384G>T (p.Leu2128Phe)

Genes: ATM (ATM serine/threonine kinase; plus strand), C11orf65 (chromosome 11 open reading frame 65; minus strand). Cytogenetic location: 11q22.3.
Variant type: single nucleotide variant.
Coding change: c.6384G>T on transcript NM_000051.4 (MANE Select); coding-DNA position 6384, G replaced by T.
Protein change: p.Leu2128Phe; replaces leucine 2128 with phenylalanine.
Molecular consequence: missense variant. On other transcripts: intron variant (2).
Genome position (GRCh38, 1-based): chr11:108,319,990, G>T. VCF-style: chr11-108319990-G-T. GRCh37 (hg19) VCF-style: chr11-108190717-G-T.
Other names: c.6384G>T, p.Leu2128Phe (NM_001351834.2); c.641-10919C>A (NM_001330368.2); c.*39-10919C>A (NM_001351110.2); short protein forms L2128F.
Identifiers: ClinVar variation 1501074 (VCV001501074.7), dbSNP rs1060501629, ClinGen allele CA382553303.
Genomic context (GRCh38, chr11:108,319,990, plus strand): 5'-TTTTTTCTTTGACTTATCTCACAGCAAAGAAGTAGAAGGAACCAGTTACCATGAATCATT[G>T]TACAATGCTCTACAATCTCTAAGAGACAGAGAATTCTCTACATTTTATGAAAGTCTCAAA-3'
Protein context (NP_000042.3, residues 2118-2138): EVEGTSYHES[Leu2128Phe]YNALQSLRDR

ClinVar aggregate classification (germline): Uncertain significance. Review status: criteria provided, multiple submitters, no conflicts (2 of 4 stars). 2 submissions from 2 submitters: Uncertain significance (2). Last evaluated 2024-09-05.

Conditions:
Ataxia-telangiectasia syndrome (AT). Also called: LOUIS-BAR SYNDROME; Cerebello-oculocutaneous telangiectasia; Immunodeficiency with ataxia telangiectasia; Ataxia telangiectasia (A-T); Ataxia-telangiectasia, complementation group D; AT, COMPLEMENTATION GROUP C. Identifiers: Orphanet 100, MedGen C0004135, MONDO:0008840, OMIM 208900.

gnomAD v4.1: 2 of 1,612,800 alleles (0.00012%); highest among the groups gnomAD compares: Non-Finnish European, 0.00017%; no homozygotes.

Submissions (2):

Labcorp Genetics (formerly Invitae), Labcorp
Classification: Uncertain significance for Ataxia-telangiectasia syndrome. Last evaluated: 2024-09-05. Review status: criteria provided, single submitter. Criteria: Invitae Variant Classification Sherloc (09022015). Collection method: clinical testing. Allele origin: germline.
Comment: This sequence change replaces leucine, which is neutral and non-polar, with phenylalanine, which is neutral and non-polar, at codon 2128 of the ATM protein (p.Leu2128Phe). This variant is not present in population databases (gnomAD no frequency). This variant has not been reported in the literature in individuals affected with ATM-related conditions. ClinVar contains an entry for this variant (Variation ID: 1501074). An algorithm developed to predict the effect of missense changes on protein structure and function (PolyPhen-2) suggests that this variant is likely to be disruptive. In summary, the available evidence is currently insufficient to determine the role of this variant in disease. Therefore, it has been classified as a Variant of Uncertain Significance.

Quest Diagnostics Nichols Institute San Juan Capistrano
Classification: Uncertain significance. Last evaluated: 2024-06-12. Review status: criteria provided, single submitter. Criteria: Quest Diagnostics criteria. Collection method: clinical testing. Allele origin: unknown.